The following is an entry in ClinVar:

NM_001042492.3(NF1):c.1741A>G (p.Ile581Val)

Gene: NF1 (neurofibromin 1; plus strand). Cytogenetic location: 17q11.2.
Variant type: single nucleotide variant.
Coding change: c.1741A>G on transcript NM_001042492.3 (MANE Select); coding-DNA position 1741, A replaced by G.
Protein change: p.Ile581Val; replaces isoleucine 581 with valine.
Molecular consequence: missense variant.
Genome position (GRCh38, 1-based): chr17:31,223,463, A>G. VCF-style: chr17-31223463-A-G. GRCh37 (hg19) VCF-style: chr17-29550481-A-G.
Other names: c.1741A>G, p.Ile581Val (NM_000267.4); short protein forms I581V.
Identifiers: ClinVar variation 961540 (VCV000961540.7), dbSNP rs2066962216, ClinGen allele CA399004061.

ClinVar aggregate classification (germline): Uncertain significance. Review status: criteria provided, multiple submitters, no conflicts (2 of 4 stars). 2 submissions from 2 submitters: Uncertain significance (2). Last evaluated 2026-05-18.

Conditions:
Cardiovascular phenotype. Identifiers: MedGen CN230736.
Hereditary cancer-predisposing syndrome. Also called: Hereditary Cancer Syndrome; Neoplastic Syndromes, Hereditary; Tumor predisposition; Hereditary neoplastic syndrome. Identifiers: Orphanet 140162, MedGen C0027672, MeSH D009386, MONDO:0015356.
Neurofibromatosis, type 1 (NF1). Also called: Peripheral type neurofibromatosis; VON RECKLINGHAUSEN DISEASE; Neurofibromatosis, type I; NEUROFIBROMATOSIS, TYPE I, SOMATIC. Identifiers: Orphanet 636, MedGen C0027831, MONDO:0018975, OMIM 162200. Disease mechanism: loss of function.

Submissions (2):

Ambry Genetics
Classification: Uncertain significance for Cardiovascular phenotype; Hereditary cancer-predisposing syndrome. Last evaluated: 2026-05-18. Review status: criteria provided, single submitter. Criteria: Ambry Variant Classification Scheme 2023. Collection method: clinical testing. Allele origin: germline.
Comment: The p.I581V variant (also known as c.1741A>G), located in coding exon 16 of the NF1 gene, results from an A to G substitution at nucleotide position 1741. The isoleucine at codon 581 is replaced by valine, an amino acid with highly similar properties. This amino acid position is highly conserved in available vertebrate species. In addition, this alteration is predicted to be tolerated by in silico analysis. Based on the available evidence, the clinical significance of this variant remains unclear.

Labcorp Genetics (formerly Invitae), Labcorp
Classification: Uncertain significance for Neurofibromatosis, type 1. Last evaluated: 2019-11-06. Review status: criteria provided, single submitter. Criteria: Invitae Variant Classification Sherloc (09022015). Collection method: clinical testing. Allele origin: germline.
Comment: This sequence change replaces isoleucine with valine at codon 581 of the NF1 protein (p.Ile581Val). The isoleucine residue is moderately conserved and there is a small physicochemical difference between isoleucine and valine. This variant is not present in population databases (ExAC no frequency). This variant has not been reported in the literature in individuals with NF1-related conditions. Algorithms developed to predict the effect of missense changes on protein structure and function (SIFT, PolyPhen-2, Align-GVGD) all suggest that this variant is likely to be tolerated, but these predictions have not been confirmed by published functional studies and their clinical significance is uncertain. In summary, the available evidence is currently insufficient to determine the role of this variant in disease. Therefore, it has been classified as a Variant of Uncertain Significance.